The following is an entry in ClinVar:

ClinVar aggregate classification (germline): Uncertain significance (1 of 4 stars; one submission).

Allele frequency attached by ClinVar (database versions not stated): gnomAD exomes 0.00001; ExAC 0.00002; TOPMed 0.00002; gnomAD 0.00003 and 0.00004; ESP Exome Variant Server 0.00008.
gnomAD v4.1: 23 of 1,613,946 alleles (0.0014%); highest among the groups gnomAD compares: Non-Finnish European, 0.0019%; no homozygotes.

Submission:

Labcorp Genetics (formerly Invitae), Labcorp
Classification: Uncertain significance. Last evaluated: 2023-10-16. Review status: criteria provided, single submitter. Criteria: Invitae Variant Classification Sherloc (09022015). Collection method: clinical testing. Allele origin: germline.
Comment: This sequence change replaces lysine, which is basic and polar, with arginine, which is basic and polar, at codon 222 of the CARD8 protein (p.Lys222Arg). This variant is present in population databases (rs369099893, gnomAD 0.002%). This variant has not been reported in the literature in individuals affected with CARD8-related conditions. ClinVar contains an entry for this variant (Variation ID: 1502524). An algorithm developed to predict the effect of missense changes on protein structure and function (PolyPhen-2) suggests that this variant is likely to be disruptive. Algorithms developed to predict the effect of sequence changes on RNA splicing suggest that this variant may disrupt the consensus splice site. In summary, the available evidence is currently insufficient to determine the role of this variant in disease. Therefore, it has been classified as a Variant of Uncertain Significance.

NM_001184900.3(CARD8):c.815A>G (p.Lys272Arg)

Gene: CARD8 (caspase recruitment domain family member 8; minus strand). Cytogenetic location: 19q13.33.
Variant type: single nucleotide variant.
Coding change: c.815A>G on transcript NM_001184900.3 (MANE Select); coding-DNA position 815, A replaced by G.
Protein change: p.Lys272Arg; replaces lysine 272 with arginine.
Molecular consequence: missense variant. On other transcripts: non-coding transcript variant (4).
Genome position (GRCh38, 1-based): chr19:48,230,658, T>C on the plus strand (A>G on the coding strand, the complement: CARD8 is on the minus strand). VCF-style: chr19-48230658-T-C. GRCh37 (hg19) VCF-style: chr19-48733915-T-C.
Other names: c.665A>G, p.Lys222Arg (NM_001184901.1, NM_001351783.2, NM_001351788.2 and 2 more transcripts); c.815A>G, p.Lys272Arg (NM_001184902.2, NM_001184903.1, NM_001351782.2); c.500A>G, p.Lys167Arg (NM_001351784.2, NM_001351787.2, NM_001351791.2 and 1 more transcripts); c.479A>G, p.Lys160Arg (NM_001351786.2); c.572A>G, p.Lys191Arg (NM_001351790.2); c.497A>G, p.Lys166Arg (NM_001365950.1); short protein forms K222R, K272R, K160R, K167R, K191R, K166R.
Identifiers: ClinVar variation 1502524 (VCV001502524.6), dbSNP rs369099893, ClinGen allele CA9547895.